The following is an entry in ClinVar:

NM_152564.5(VPS13B):c.6258T>C (p.His2086=)

Gene: VPS13B (vacuolar protein sorting 13 homolog B; plus strand). Cytogenetic location: 8q22.2.
Variant type: single nucleotide variant.
Coding change: c.6258T>C on transcript NM_152564.5 (MANE Select); coding-DNA position 6258, T replaced by C.
Protein change: p.His2086=; no amino-acid change (histidine 2086 retained).
Molecular consequence: synonymous variant.
Genome position (GRCh38, 1-based): chr8:99,699,736, T>C. VCF-style: chr8-99699736-T-C. GRCh37 (hg19) VCF-style: chr8-100711964-T-C.
Other names: c.6333T>C, p.His2111= (NM_017890.5); c.6258T>C (NM_152564.4).
Identifiers: ClinVar variation 1138361 (VCV001138361.11), dbSNP rs1472821351, ClinGen allele CA462464583.

ClinVar aggregate classification (germline): Likely benign. Review status: criteria provided, single submitter (1 of 4 stars). 2 submissions from 2 submitters: Likely benign (1). 1 of the submissions does not count toward it. Last evaluated 2025-08-11.

Conditions:
VPS13B-related disorder. Also called: VPS13B-related condition.
Cohen syndrome (COH1). Also called: PEPPER SYNDROME; Cutis verticis gyrata, retinitis pigmentosa, and sensorineural deafness. Identifiers: Orphanet 193, MedGen C0265223, MONDO:0008999, OMIM 216550.

Allele frequency attached by ClinVar (database versions not stated): gnomAD exomes below 0.00001 and 0.00001; TOPMed below 0.00001; gnomAD 0.00001.
gnomAD v4.1: 22 of 1,614,006 alleles (0.0014%); highest among the groups gnomAD compares: Non-Finnish European, 0.0017%; no homozygotes.

Submissions (2):

Labcorp Genetics (formerly Invitae), Labcorp
Classification: Likely benign for Cohen syndrome. Last evaluated: 2025-08-11. Review status: criteria provided, single submitter. Criteria: Invitae Variant Classification Sherloc (09022015). Collection method: clinical testing. Allele origin: germline.

PreventionGenetics, part of Exact Sciences
Classification: Likely benign for VPS13B-related condition. Last evaluated: 2022-09-20. Review status: no assertion criteria provided. Collection method: clinical testing. Allele origin: germline. Not counted in ClinVar's aggregate classification.
Comment: This variant is classified as likely benign based on ACMG/AMP sequence variant interpretation guidelines (Richards et al. 2015 PMID: 25741868, with internal and published modifications).